The following is an entry in ClinVar:

ClinVar aggregate classification (germline): Uncertain significance (1 of 4 stars; one submission).

Conditions:
Hereditary cancer-predisposing syndrome. Also called: Tumor predisposition; Hereditary Cancer Syndrome; Hereditary neoplastic syndrome; Neoplastic Syndromes, Hereditary. Identifiers: Orphanet 140162, MedGen C0027672, MeSH D009386, MONDO:0015356.

Submission:

Ambry Genetics
Classification: Uncertain significance for Hereditary cancer-predisposing syndrome. Last evaluated: 2025-11-14. Review status: criteria provided, single submitter. Criteria: Ambry Variant Classification Scheme 2023. Collection method: clinical testing. Allele origin: germline.
Comment: The c.3213A>G variant (also known as p.G1071G), located in coding exon 20 of the RET gene, results from an A to G substitution at nucleotide position 3213. This nucleotide substitution does not change the glycine at codon 1071. This nucleotide position is not well conserved in available vertebrate species. In silico splice site analysis for this alteration is inconclusive. Based on the available evidence, the clinical significance of this variant remains unclear.

NM_020975.6(RET):c.3213A>G (p.Gly1071=)

Gene: RET (ret proto-oncogene; plus strand). Cytogenetic location: 10q11.21.
Variant type: single nucleotide variant.
Coding change: c.3213A>G on transcript NM_020975.6 (MANE Select); coding-DNA position 3213, A replaced by G.
Protein change: p.Gly1071=; no amino-acid change (glycine 1071 retained).
Molecular consequence: synonymous variant. On other transcripts: 3 prime UTR variant (18), intron variant (3).
Genome position (GRCh38, 1-based): chr10:43,128,137, A>G. VCF-style: chr10-43128137-A-G. GRCh37 (hg19) VCF-style: chr10-43623585-A-G.
Other names: c.*1383A>G (NM_001355216.2, NM_001406764.1, NM_001406765.1 and 15 more transcripts); c.3213A>G, p.Gly1071= (NM_001406743.1); c.3153A>G, p.Gly1051= (NM_001406759.1, NM_001406760.1); c.3084A>G, p.Gly1028= (NM_001406761.1, NM_001406762.1); c.3078A>G, p.Gly1026= (NM_001406763.1); c.2925A>G, p.Gly975= (NM_001406766.1, NM_001406767.1); c.2817A>G, p.Gly939= (NM_001406769.1); c.2775A>G, p.Gly925= (NM_001406771.1); and 10 more.
Identifiers: ClinVar variation 4545580 (VCV004545580.1).